The following is an entry in ClinVar:

ClinVar aggregate classification (germline): Uncertain significance. Review status: criteria provided, multiple submitters, no conflicts (2 of 4 stars). 2 submissions from 2 submitters: Uncertain significance (2). Last evaluated 2025-12-02.

Conditions:
Hereditary cancer-predisposing syndrome. Also called: Tumor predisposition; Neoplastic Syndromes, Hereditary; Hereditary neoplastic syndrome; Hereditary Cancer Syndrome. Identifiers: Orphanet 140162, MedGen C0027672, MeSH D009386, MONDO:0015356.

Allele frequency attached by ClinVar (database versions not stated): gnomAD exomes below 0.00001; TOPMed 0.00001.
gnomAD v4.1: 1 of 1,613,264 alleles (0.000062%); highest among the groups gnomAD compares: Admixed American, 0.0017%; no homozygotes.

Submissions (2):

Labcorp Genetics (formerly Invitae), Labcorp
Classification: Uncertain significance. Last evaluated: 2025-12-02. Review status: criteria provided, single submitter. Criteria: Invitae Variant Classification Sherloc (09022015). Collection method: clinical testing. Allele origin: germline.
Comment: This sequence change replaces tryptophan, which is neutral and slightly polar, with leucine, which is neutral and non-polar, at codon 92 of the NTHL1 protein (p.Trp92Leu). This variant is present in population databases (no rsID available, gnomAD 0.003%). This variant has not been reported in the literature in individuals affected with NTHL1-related conditions. ClinVar contains an entry for this variant (Variation ID: 1514388). An algorithm developed to predict the effect of missense changes on protein structure and function (PolyPhen-2) suggests that this variant is likely to be disruptive. In summary, the available evidence is currently insufficient to determine the role of this variant in disease. Therefore, it has been classified as a Variant of Uncertain Significance.

Ambry Genetics
Classification: Uncertain significance for Hereditary cancer-predisposing syndrome. Last evaluated: 2023-02-03. Review status: criteria provided, single submitter. Criteria: Ambry Variant Classification Scheme 2023. Collection method: clinical testing. Allele origin: germline.
Comment: The p.W92L variant (also known as c.275G>T), located in coding exon 2 of the NTHL1 gene, results from a G to T substitution at nucleotide position 275. The tryptophan at codon 92 is replaced by leucine, an amino acid with similar properties. This amino acid position is conserved. In addition, the in silico prediction for this alteration is inconclusive. Since supporting evidence is limited at this time, the clinical significance of this alteration remains unclear.

NM_002528.7(NTHL1):c.251G>T (p.Trp84Leu)

Gene: NTHL1 (nth like DNA glycosylase 1; minus strand). Cytogenetic location: 16p13.3.
Variant type: single nucleotide variant.
Coding change: c.251G>T on transcript NM_002528.7 (MANE Select); coding-DNA position 251, G replaced by T.
Protein change: p.Trp84Leu; replaces tryptophan 84 with leucine.
Molecular consequence: missense variant. On other transcripts: intron variant (1).
Genome position (GRCh38, 1-based): chr16:2,046,231, C>A on the plus strand (G>T on the coding strand, the complement: NTHL1 is on the minus strand). VCF-style: chr16-2046231-C-A. GRCh37 (hg19) VCF-style: chr16-2096232-C-A.
Other names: c.275G>T (NM_002528.5); c.251G>T, p.Trp84Leu (NM_001318193.2); c.24+49G>T (NM_001318194.2); short protein forms W84L.
Identifiers: ClinVar variation 1514388 (VCV001514388.7), dbSNP rs1375251505, ClinGen allele CA394297133.